The following is an entry in ClinVar:

NM_001220.5(CAMK2B):c.196C>T (p.Arg66Cys)

Gene: CAMK2B (calcium/calmodulin dependent protein kinase II beta; minus strand). Cytogenetic location: 7p13.
Variant type: single nucleotide variant.
Coding change: c.196C>T on transcript NM_001220.5 (MANE Select); coding-DNA position 196, C replaced by T.
Protein change: p.Arg66Cys; replaces arginine 66 with cysteine.
Molecular consequence: missense variant.
Genome position (GRCh38, 1-based): chr7:44,263,029, G>A on the plus strand (C>T on the coding strand, the complement: CAMK2B is on the minus strand). VCF-style: chr7-44263029-G-A. GRCh37 (hg19) VCF-style: chr7-44302628-G-A.
Other names: c.196C>T, p.Arg66Cys (NM_001293170.2, NM_172078.3, NM_172079.3 and 5 more transcripts); short protein forms R66C.
Identifiers: ClinVar variation 2826331 (VCV002826331.3), dbSNP rs758417712, ClinGen allele CA4240820.
Genomic context (GRCh38, chr7:44,263,029, plus strand): 5'-GGGACCCATCCCCGCTCCCTACCCCAGGCTGCTCACCGATGTTGGAATGCTTCAGAAGGC[G>A]GCAGATCCGAGCCTCTCTCTCCAGCTTCTGGTGATCTGGGGGACAGGAAAAACAAGGCGT-3'
Protein context (NP_001211.3, residues 56-76): QKLEREARIC[Arg66Cys]LLKHSNIVRL

ClinVar aggregate classification (germline): Uncertain significance (1 of 4 stars; one submission).

Allele frequency attached by ClinVar (database versions not stated): gnomAD exomes below 0.00001; TOPMed below 0.00001; ExAC 0.00001; gnomAD 0.00001.
gnomAD v4.1: 7 of 1,613,380 alleles (0.00043%); highest among the groups gnomAD compares: East Asian, 0.0022%; no homozygotes.

Submission:

Labcorp Genetics (formerly Invitae), Labcorp
Classification: Uncertain significance. Last evaluated: 2023-11-24. Review status: criteria provided, single submitter. Criteria: Invitae Variant Classification Sherloc (09022015). Collection method: clinical testing. Allele origin: germline.
Comment: This sequence change replaces arginine, which is basic and polar, with cysteine, which is neutral and slightly polar, at codon 66 of the CAMK2B protein (p.Arg66Cys). The frequency data for this variant in the population databases is considered unreliable, as metrics indicate poor data quality at this position in the gnomAD database. This variant has not been reported in the literature in individuals affected with CAMK2B-related conditions. An algorithm developed to predict the effect of missense changes on protein structure and function (PolyPhen-2) suggests that this variant is likely to be disruptive. In summary, the available evidence is currently insufficient to determine the role of this variant in disease. Therefore, it has been classified as a Variant of Uncertain Significance.